The following is an entry in ClinVar:

NM_198252.3(GSN):c.-9-2091A>C

Gene: GSN (gelsolin; plus strand). Cytogenetic location: 9q33.2.
Variant type: single nucleotide variant.
Coding change: c.-9-2091A>C on transcript NM_198252.3 (MANE Select); 2091 bases into the intron before 9 bases upstream of the start codon, A replaced by C.
Molecular consequence: intron variant. On other transcripts: missense variant (1).
Genome position (GRCh38, 1-based): chr9:121,299,872, A>C. VCF-style: chr9-121299872-A-C. GRCh37 (hg19) VCF-style: chr9-124062150-A-C.
Other names: c.11A>C, p.His4Pro (NM_000177.5); c.-9-2091A>C (NM_001353054.1, NM_001353053.1, NM_001353060.2 and 5 more transcripts); c.-47-184A>C (NM_001353064.2, NM_001353066.2, NM_001353072.2 and 7 more transcripts); c.-1-2099A>C (NM_001353058.2, NM_001353059.2, NM_001353056.2 and 1 more transcripts); c.-38-193A>C (NM_001353073.2, NM_001353065.2, NM_001353068.2 and 2 more transcripts); c.100-2091A>C (NM_001127663.2); c.-32-199A>C (NM_001353070.2); c.-48-2052A>C (NM_001353055.2); and 4 more; short protein forms H4P.
Identifiers: ClinVar variation 1746980 (VCV001746980.2), dbSNP rs1463497694, ClinGen allele CA374751325.

ClinVar aggregate classification (germline): Uncertain significance (1 of 4 stars; one submission).

Conditions:
Inborn genetic diseases. Identifiers: MedGen C0950123, MeSH D030342.

Allele frequency attached by ClinVar (database versions not stated): TOPMed below 0.00001; gnomAD 0.00001.

Submission:

Ambry Genetics
Classification: Uncertain significance for Inborn genetic diseases. Last evaluated: 2020-02-06. Review status: criteria provided, single submitter. Criteria: Ambry Variant Classification Scheme 2023. Collection method: clinical testing. Allele origin: germline.
Comment: The p.H4P variant (also known as c.11A>C), located in coding exon 1 of the GSN gene, results from an A to C substitution at nucleotide position 11. The histidine at codon 4 is replaced by proline, an amino acid with similar properties. This amino acid position is poorly conserved in available vertebrate species. In addition, this alteration is predicted to be tolerated by in silico analysis. Since supporting evidence is limited at this time, the clinical significance of this alteration remains unclear.